The following is an entry in ClinVar:

NM_000545.8(HNF1A):c.490A>C (p.Thr164Pro)

Gene: HNF1A (HNF1 homeobox A; plus strand). Cytogenetic location: 12q24.31.
Variant type: single nucleotide variant.
Coding change: c.490A>C on transcript NM_000545.8 (MANE Select); coding-DNA position 490, A replaced by C.
Protein change: p.Thr164Pro; replaces threonine 164 with proline.
Molecular consequence: missense variant.
Genome position (GRCh38, 1-based): chr12:120,988,996, A>C. VCF-style: chr12-120988996-A-C. GRCh37 (hg19) VCF-style: chr12-121426799-A-C.
Other names: NM_001306179.1:c.490A>C; NM_000545.8(HNF1A):c.490A>C; p.Thr164Pro; c.490A>C, p.Thr164Pro (NM_001306179.2); short protein forms T164P.
Identifiers: ClinVar variation 1317072 (VCV001317072.9), dbSNP rs772597940, ClinGen allele CA386960511.

ClinVar aggregate classification (germline): Uncertain significance. Review status: reviewed by expert panel (3 of 4 stars). 3 submissions from 3 submitters: Uncertain significance (1). 2 of the submissions do not count toward it. Last evaluated 2025-06-18.

Conditions:
Monogenic diabetes. Identifiers: Orphanet 183625, MedGen C3888631, MONDO:0015967.
Maturity-onset diabetes of the young (MODY). Also called: Maturity onset diabetes mellitus in young. Identifiers: Orphanet 552, MedGen C0342276, MONDO:0018911, HP:0004904.

Submissions (3):

ClinGen Monogenic Diabetes Variant Curation Expert Panel
Classification: Uncertain significance for Monogenic diabetes. Last evaluated: 2025-06-18. Review status: reviewed by expert panel. Criteria: ClinGen Diabetes ACMG Specifications HNF1A V2.1.0. Collection method: curation. Allele origin: germline. Inheritance: Autosomal dominant inheritance.
Comment: The c.490A>C variant in the HNF1 homeobox A gene, HNF1A, causes an amino acid change of threonine to proline at codon 164 (p.(Thr164Pro)) of NM_000545.8. This variant is located within a conserved region of the DNA binding domain (codons 107-174 and 201-280) of HNF1A, which is defined as critical for the protein’s function by the ClinGen MDEP (PM1_Supporting). This variant is absent from gnomAD v2.1.1 (PM2_Supporting). This variant is predicted to be deleterious by computational evidence, with a REVEL score of 0.944, which is greater than the MDEP threshold of 0.70 (PP3). This variant was identified in one individual with a clinical history highly specific for HNF1A-MODY (MODY probability calculator result >50%, negative genetic testing for HNF4A) who was also antibody negative (PP4_Moderate; internal lab contributors). In summary, c.490A>C meets the criteria to be classified as a variant of uncertain significance for monogenic diabetes. ACMG/AMP criteria applied, as specified by the ClinGen MDEP (specification version 2.1.0, approved 8/11/23): PM1_Supporting, PM2_Supporting, PP3, PP4_Moderate.

Ambry Genetics
Classification: Uncertain significance for Maturity-onset diabetes of the young. Last evaluated: 2025-06-17. Review status: criteria provided, single submitter. Criteria: Ambry Variant Classification Scheme 2023. Collection method: clinical testing. Allele origin: germline. Not counted in ClinVar's aggregate classification.
Comment: The p.T164P variant (also known as c.490A>C), located in coding exon 2 of the HNF1A gene, results from an A to C substitution at nucleotide position 490. The threonine at codon 164 is replaced by proline, an amino acid with highly similar properties. This amino acid position is highly conserved in available vertebrate species. In addition, this alteration is predicted to be deleterious by in silico analysis. Since supporting evidence is limited at this time, the clinical significance of this alteration remains unclear.

GeneDx
Classification: Uncertain significance. Last evaluated: 2019-03-25. Review status: criteria provided, single submitter. Criteria: GeneDx Variant Classification Process June 2021. Collection method: clinical testing. Allele origin: germline. Affected: yes. Not counted in ClinVar's aggregate classification.
Comment: Not observed in large population cohorts (Lek et al., 2016); In silico analysis, which includes protein predictors and evolutionary conservation, supports a deleterious effect; Has not been previously published as pathogenic or benign to our knowledge